The following is an entry in ClinVar:

ClinVar aggregate classification (germline): Uncertain significance (1 of 4 stars; one submission).

Conditions:
Charcot-Marie-Tooth disease axonal type 2C (HMSN2C). Also called: Charcot-Marie-Tooth Disease Type 2, TRPV4-Related (CMT2C); CHARCOT-MARIE-TOOTH DISEASE, AXONAL, AUTOSOMAL DOMINANT, TYPE 2C; Charcot-Marie-Tooth Neuropathy Type 2C. Identifiers: Orphanet 99937, MedGen C1853710, MONDO:0011633, OMIM 606071.

Allele frequency attached by ClinVar (database versions not stated): TOPMed 0.00001; gnomAD exomes below 0.00001; gnomAD 0.00001.
gnomAD v4.1: 5 of 1,605,422 alleles (0.00031%); highest among the groups gnomAD compares: Admixed American, 0.0017%; no homozygotes.

Submission:

Labcorp Genetics (formerly Invitae), Labcorp
Classification: Uncertain significance for Charcot-Marie-Tooth disease axonal type 2C. Last evaluated: 2024-02-22. Review status: criteria provided, single submitter. Criteria: Invitae Variant Classification Sherloc (09022015). Collection method: clinical testing. Allele origin: germline.
Comment: This sequence change replaces isoleucine, which is neutral and non-polar, with threonine, which is neutral and polar, at codon 246 of the TRPV4 protein (p.Ile246Thr). This variant is present in population databases (no rsID available, gnomAD 0.003%). This variant has not been reported in the literature in individuals affected with TRPV4-related conditions. ClinVar contains an entry for this variant (Variation ID: 654887). Advanced modeling of protein sequence and biophysical properties (such as structural, functional, and spatial information, amino acid conservation, physicochemical variation, residue mobility, and thermodynamic stability) has been performed at Invitae for this missense variant, however the output from this modeling did not meet the statistical confidence thresholds required to predict the impact of this variant on TRPV4 protein function. In summary, the available evidence is currently insufficient to determine the role of this variant in disease. Therefore, it has been classified as a Variant of Uncertain Significance.

NM_021625.5(TRPV4):c.737T>C (p.Ile246Thr)

Gene: TRPV4 (transient receptor potential cation channel subfamily V member 4; minus strand). Cytogenetic location: 12q24.11.
Variant type: single nucleotide variant.
Coding change: c.737T>C on transcript NM_021625.5 (MANE Select); coding-DNA position 737, T replaced by C.
Protein change: p.Ile246Thr; replaces isoleucine 246 with threonine.
Molecular consequence: missense variant. On other transcripts: intron variant (2).
Genome position (GRCh38, 1-based): chr12:109,800,734, A>G on the plus strand (T>C on the coding strand, the complement: TRPV4 is on the minus strand). VCF-style: chr12-109800734-A-G. GRCh37 (hg19) VCF-style: chr12-110238539-A-G.
Other names: c.635T>C, p.Ile212Thr (NM_001177431.2); c.737T>C, p.Ile246Thr (NM_147204.3); c.713-1822T>C (NM_001177433.1, NM_001177428.1); short protein forms I212T, I246T.
Identifiers: ClinVar variation 654887 (VCV000654887.8), dbSNP rs1200887655, ClinGen allele CA386655466.
Genomic context (GRCh38, chr12:109,800,734, plus strand): 5'-GCGTGGACATCAGCTCCCTGGGCCACGAGAAGTTCCACGTAGTGTTTGCAGCGACGCTCA[A>G]TGGCGATGTGCAGGGCTGTCTGACCTGGGGGCAGGGGACGGTCATCCAGGGTCCTGGCGG-3'
Protein context (NP_067638.3, residues 236-256): YRGQTALHIA[Ile246Thr]ERRCKHYVEL